The following is an entry in ClinVar:

NM_001365276.2(TNXB):c.2470C>T (p.Arg824Ter)

Gene: TNXB (tenascin XB; minus strand). Cytogenetic location: 6p21.33.
Variant type: single nucleotide variant.
Coding change: c.2470C>T on transcript NM_001365276.2 (MANE Select); coding-DNA position 2470, C replaced by T.
Protein change: p.Arg824Ter; replaces arginine 824 with a stop codon.
Molecular consequence: nonsense.
Genome position (GRCh38, 1-based): chr6:32,089,268, G>A on the plus strand (C>T on the coding strand, the complement: TNXB is on the minus strand). VCF-style: chr6-32089268-G-A. GRCh37 (hg19) VCF-style: chr6-32057045-G-A.
Other names: c.2470C>T, p.Arg824Ter (NM_001428335.1, NM_019105.8); short protein forms R824*.
Identifiers: ClinVar variation 5013147 (VCV005013147.1).

ClinVar aggregate classification (germline): Pathogenic (1 of 4 stars; one submission).

Conditions:
Ehlers-Danlos syndrome due to tenascin-X deficiency (EDSCLL1). Also called: Ehlers-Danlos syndrome, classic-like, 1; EHLERS-DANLOS SYNDROME, CLASSIC-LIKE; TNXB-Related Classical-Like Ehlers-Danlos Syndrome; EDS DUE TO TNX DEFICIENCY; TNX DEFICIENCY. Identifiers: Orphanet 230839, MedGen C1848029, MONDO:0011670, OMIM 606408.

gnomAD v4.1: 2 of 1,606,884 alleles (0.00012%); highest among the groups gnomAD compares: African/African-American, 0.0013%; no homozygotes.

Submission:

Myriad Genetics, Inc.
Classification: Pathogenic for Ehlers-Danlos syndrome due to tenascin-X deficiency. Last evaluated: 2024-06-04. Review status: criteria provided, single submitter. Criteria: Myriad Autosomal Dominant, Autosomal Recessive and X-Linked Classification Criteria (2023). Collection method: clinical testing. Allele origin: unknown.
Comment: NM_019105.6(TNXB):c.2470C>T(R824*) is expected to be pathogenic in the context of classical-like Ehlers-Danlos syndrome, TNXB-related. This variant is predicted to lead to an abnormal or absent protein product due to the creation of a premature termination codon in TNXB, a gene where loss-of-function variants are known to be pathogenic. Please note: this variant was assessed in the context of healthy population screening.